The following is an entry in ClinVar:

ClinVar aggregate classification (germline): Likely benign (1 of 4 stars; one submission).

Submission:

CeGaT Center for Human Genetics Tuebingen
Classification: Likely benign. Last evaluated: 2025-05-01. Review status: criteria provided, single submitter. Criteria: CeGaT Center For Human Genetics Tuebingen Variant Classification Criteria Version 2. Collection method: clinical testing. Allele origin: germline. Affected: yes. Observed: 1 variant allele.
Comment: ZMYND11: PM2:Supporting, BP4, BP7

NM_001370100.5(ZMYND11):c.1764G>A (p.Glu588=)

Gene: ZMYND11 (zinc finger MYND-type containing 11; plus strand). Cytogenetic location: 10p15.3.
Variant type: single nucleotide variant.
Coding change: c.1764G>A on transcript NM_001370100.5 (MANE Select); coding-DNA position 1764, G replaced by A.
Protein change: p.Glu588=; no amino-acid change (glutamic acid 588 retained).
Molecular consequence: synonymous variant. On other transcripts: non-coding transcript variant (1).
Genome position (GRCh38, 1-based): chr10:252,425, G>A. VCF-style: chr10-252425-G-A. GRCh37 (hg19) VCF-style: chr10-298365-G-A.
Other names: c.1602G>A, p.Glu534= (NM_001202464.3, NM_001370103.2, NM_001370104.2 and 5 more transcripts); c.1509G>A, p.Glu503= (NM_001202465.3, NM_001370110.2); c.1599G>A, p.Glu533= (NM_001202466.3, NM_001370111.2); c.1713G>A, p.Glu571= (NM_001330057.3, NM_001370112.2); c.1764G>A, p.Glu588= (NM_001370097.3, NM_001370098.2, NM_001370099.2 and 3 more transcripts); c.1671G>A, p.Glu557= (NM_001370113.2, NM_001370114.2); c.1761G>A, p.Glu587= (NM_001370115.2); c.1698G>A, p.Glu566= (NM_001370116.2); and 8 more.
Identifiers: ClinVar variation 3905735 (VCV003905735.10).